The following is an entry in ClinVar:

NM_024928.5(STN1):c.43C>G (p.Leu15Val)

Gene: STN1 (STN1 subunit of CST complex; minus strand). Cytogenetic location: 10q24.33.
Variant type: single nucleotide variant.
Coding change: c.43C>G on transcript NM_024928.5 (MANE Select); coding-DNA position 43, C replaced by G.
Protein change: p.Leu15Val; replaces leucine 15 with valine.
Molecular consequence: missense variant.
Genome position (GRCh38, 1-based): chr10:103,917,552, G>C on the plus strand (C>G on the coding strand, the complement: STN1 is on the minus strand). VCF-style: chr10-103917552-G-C. GRCh37 (hg19) VCF-style: chr10-105677310-G-C.
Other names: short protein forms L15V.
Identifiers: ClinVar variation 1385444 (VCV001385444.5), dbSNP rs1048278776, ClinGen allele CA212434394.

ClinVar aggregate classification (germline): Uncertain significance (1 of 4 stars; one submission).

Allele frequency attached by ClinVar (database versions not stated): gnomAD 0.00001.
gnomAD v4.1: 4 of 1,614,042 alleles (0.00025%); highest among the groups gnomAD compares: African/African-American, 0.004%; no homozygotes.

Submission:

Labcorp Genetics (formerly Invitae), Labcorp
Classification: Uncertain significance. Last evaluated: 2021-08-27. Review status: criteria provided, single submitter. Criteria: Invitae Variant Classification Sherloc (09022015). Collection method: clinical testing. Allele origin: germline.
Comment: This sequence change replaces leucine with valine at codon 15 of the STN1 protein (p.Leu15Val). The leucine residue is highly conserved and there is a small physicochemical difference between leucine and valine. This variant is not present in population databases (ExAC no frequency). This variant has not been reported in the literature in individuals affected with STN1-related conditions. Algorithms developed to predict the effect of missense changes on protein structure and function are either unavailable or do not agree on the potential impact of this missense change (SIFT: "Deleterious"; PolyPhen-2: "Benign"; Align-GVGD: "Class C0"). In summary, the available evidence is currently insufficient to determine the role of this variant in disease. Therefore, it has been classified as a Variant of Uncertain Significance.